The following is an entry in ClinVar:

ClinVar aggregate classification (germline): Uncertain significance (1 of 4 stars; one submission).

Submission:

Cytogenetics Laboratory, University of Washington
Classification: Uncertain significance. Last evaluated: 2015-01-15. Review status: criteria provided, single submitter. Criteria: UW Cytogenetics and Genomics Laboratory Policy on CNV Interpretation (5/6/2015). Collection method: clinical testing. Allele origin: unknown. Affected: yes. Observed: 1 variant allele.

GRCh37/hg19 21q22.3(chr21:47486134-47796810)x3

Genes: YBEY (ybeY metalloendoribonuclease; plus strand), C21orf58 (chromosome 21 open reading frame 58; minus strand), COL6A2 (collagen type VI alpha 2 chain; plus strand), FTCD (formimidoyltransferase cyclodeaminase; minus strand), LSS (lanosterol synthase; minus strand) and 3 more. Cytogenetic location: 21q22.3.
Variant type: copy number gain.
Change: copy number 3 (three copies instead of two) of chr21:47,486,134-47,796,810 (310.7 kb, GRCh37 coordinates, 1-based), cytogenetic band 21q22.3.
Identifiers: ClinVar variation 202219 (VCV000202219.4).